The following is an entry in ClinVar:

NM_017871.6(INTS11):c.470A>G (p.His157Arg)

Gene: INTS11 (integrator complex subunit 11; minus strand). Cytogenetic location: 1p36.33.
Variant type: single nucleotide variant.
Coding change: c.470A>G on transcript NM_017871.6 (MANE Select); coding-DNA position 470, A replaced by G.
Protein change: p.His157Arg; replaces histidine 157 with arginine.
Molecular consequence: missense variant.
Genome position (GRCh38, 1-based): chr1:1,315,578, T>C on the plus strand (A>G on the coding strand, the complement: INTS11 is on the minus strand). VCF-style: chr1-1315578-T-C. GRCh37 (hg19) VCF-style: chr1-1250958-T-C.
Other names: c.488A>G, p.His163Arg (NM_001256456.2); c.383A>G, p.His128Arg (NM_001256460.2); c.176A>G, p.His59Arg (NM_001256462.2); c.167A>G, p.His56Arg (NM_001256463.2); c.470A>G (NM_017871.4); short protein forms H128R, H157R, H163R, H56R, H59R.
Identifiers: ClinVar variation 2507230 (VCV002507230.2), dbSNP rs780534264, ClinGen allele CA337800527.

ClinVar aggregate classification (germline): Uncertain significance. Review status: criteria provided, multiple submitters, no conflicts (2 of 4 stars). 2 submissions from 2 submitters: Uncertain significance (2). Last evaluated 2024-05-26.

Submissions (2):

Ambry Genetics
Classification: Uncertain significance. Last evaluated: 2024-05-26. Review status: criteria provided, single submitter. Criteria: Ambry Variant Classification Scheme 2023. Collection method: clinical testing. Allele origin: germline.

GeneDx
Classification: Uncertain significance. Last evaluated: 2022-04-18. Review status: criteria provided, single submitter. Criteria: GeneDx Variant Classification Process June 2021. Collection method: clinical testing. Allele origin: germline. Affected: yes.
Comment: Not observed at significant frequency in large population cohorts (gnomAD); In silico analysis supports that this missense variant has a deleterious effect on protein structure/function; Has not been previously published as pathogenic or benign to our knowledge; Variants in candidate genes are classified as variants of uncertain significance in accordance with ACMG guidelines (Richards et al., 2015)